The following is an entry in ClinVar:

NM_017826.3(SOHLH2):c.48+9C>A

Genes: CCDC169-SOHLH2 (CCDC169-SOHLH2 readthrough; minus strand), SOHLH2 (spermatogenesis and oogenesis specific basic helix-loop-helix 2; minus strand). Cytogenetic location: 13q13.3.
Variant type: single nucleotide variant.
Coding change: c.48+9C>A on transcript NM_017826.3 (MANE Select); 9 bases into the intron after coding-DNA position 48, C replaced by A.
Molecular consequence: intron variant.
Genome position (GRCh38, 1-based): chr13:36,214,470, G>T on the plus strand (C>A on the coding strand, the complement: SOHLH2 is on the minus strand). VCF-style: chr13-36214470-G-T. GRCh37 (hg19) VCF-style: chr13-36788607-G-T.
Other names: c.280-12377C>A (NM_001198910.2); c.48+9C>A (NM_001282147.2).
Identifiers: ClinVar variation 3035330 (VCV003035330.2), dbSNP rs200008856, ClinGen allele CA6949070.
Genomic context (GRCh38, chr13:36,214,470, plus strand): 5'-GGGACCACCGACCTAGGGCCCGCCCGCGAGGTTATAAACGCAGCTGCCTCCCCTTCCACA[G>T]CCTCTTACCTGGCCCGAGATCTGGCAGTGCTCCTGGCAGATAATTGAGGAAGCCATGGCC-3'

ClinVar aggregate classification (germline): Likely benign (0 of 4 stars; one submission).

Conditions:
SOHLH2-related disorder. Also called: SOHLH2-related condition.

Allele frequency attached by ClinVar (database versions not stated): 1000 Genomes Project 30x 0.00141; 1000 Genomes Project 0.00160; TOPMed 0.00211; gnomAD 0.00224; ExAC 0.00261; gnomAD exomes 0.00322; ESP Exome Variant Server 0.00346.
gnomAD v4.1: 4,990 of 1,612,534 alleles (0.31%); highest among the groups gnomAD compares: Non-Finnish European, 0.37%; 8 homozygotes.

Submission:

PreventionGenetics, part of Exact Sciences
Classification: Likely benign for SOHLH2-related condition. Last evaluated: 2019-08-07. Review status: no assertion criteria provided. Collection method: clinical testing. Allele origin: germline.
Comment: This variant is classified as likely benign based on ACMG/AMP sequence variant interpretation guidelines (Richards et al. 2015 PMID: 25741868, with internal and published modifications).